The following is an entry in ClinVar:

NM_001042492.3(NF1):c.6642+1G>C

Gene: NF1 (neurofibromin 1; plus strand). Cytogenetic location: 17q11.2.
Variant type: single nucleotide variant.
Coding change: c.6642+1G>C on transcript NM_001042492.3 (MANE Select); the canonical splice donor site of the intron after coding-DNA position 6642, G replaced by C.
Molecular consequence: splice donor variant.
Genome position (GRCh38, 1-based): chr17:31,337,583, G>C. VCF-style: chr17-31337583-G-C. GRCh37 (hg19) VCF-style: chr17-29664601-G-C.
Other names: c.6579+1G>C (NM_000267.4).
Identifiers: ClinVar variation 1069903 (VCV001069903.5), dbSNP rs1060500345, ClinGen allele CA399013598.
Genomic context (GRCh38, chr17:31,337,583, plus strand): 5'-GAGACTTTTGCTTTGACATCCTTGGAAACAGTCACAGAAGCTTTGTTGGAGATCATGGAG[G>C]TATAGAAGCCAAAATGATAAGAAACTAAGTTAAAATCTTTTTTTAAAAATATGTTAATAC-3'

ClinVar aggregate classification (germline): Pathogenic (1 of 4 stars; one submission).

Conditions:
Neurofibromatosis, type 1 (NF1). Also called: VON RECKLINGHAUSEN DISEASE; Peripheral type neurofibromatosis; NEUROFIBROMATOSIS, TYPE I, SOMATIC; Neurofibromatosis, type I. Identifiers: Orphanet 636, MedGen C0027831, MONDO:0018975, OMIM 162200. Disease mechanism: loss of function.

Submission:

Labcorp Genetics (formerly Invitae), Labcorp
Classification: Pathogenic for Neurofibromatosis, type 1. Last evaluated: 2026-01-27. Review status: criteria provided, single submitter. Criteria: Invitae Variant Classification Sherloc (09022015). Collection method: clinical testing. Allele origin: germline.
Comment: This sequence change affects a donor splice site in intron 42 of the NF1 gene. It is expected to disrupt RNA splicing. Variants that disrupt the donor or acceptor splice site typically lead to a loss of protein function (PMID: 16199547), and loss-of-function variants in NF1 are known to be pathogenic (PMID: 10712197, 23913538). This variant is not present in population databases (gnomAD no frequency). Disruption of this splice site has been observed in individual(s) with neurofibromatosis type 1 (PMID: 16835897; internal data). ClinVar contains an entry for this variant (Variation ID: 1069903). Algorithms developed to predict the effect of sequence changes on RNA splicing suggest that this variant may disrupt the consensus splice site. For these reasons, this variant has been classified as Pathogenic.

Literature cited by the submitters: PubMed 16199547; PubMed 10712197; PubMed 23913538; PubMed 16835897.